The following is an entry in ClinVar:

ClinVar aggregate classification (germline): Likely benign (0 of 4 stars; one submission).

Conditions:
FSIP2-related disorder. Also called: FSIP2-related condition.

Allele frequency attached by ClinVar (database versions not stated): TOPMed 0.00005; gnomAD 0.00018; 1000 Genomes Project 30x 0.00047; 1000 Genomes Project 0.00060; ExAC 0.00214.
gnomAD v4.1: 390 of 1,517,536 alleles (0.026%); highest among the groups gnomAD compares: South Asian, 0.41%; 5 homozygotes.

Submission:

PreventionGenetics, part of Exact Sciences
Classification: Likely benign for FSIP2-related condition. Last evaluated: 2019-09-20. Review status: no assertion criteria provided. Collection method: clinical testing. Allele origin: germline.
Comment: This variant is classified as likely benign based on ACMG/AMP sequence variant interpretation guidelines (Richards et al. 2015 PMID: 25741868, with internal and published modifications).

NM_173651.4(FSIP2):c.14901C>T (p.Asn4967=)

Gene: FSIP2 (fibrous sheath interacting protein 2; plus strand). Cytogenetic location: 2q32.1.
Variant type: single nucleotide variant.
Coding change: c.14901C>T on transcript NM_173651.4 (MANE Select); coding-DNA position 14901, C replaced by T.
Protein change: p.Asn4967=; no amino-acid change (asparagine 4967 retained).
Molecular consequence: synonymous variant.
Genome position (GRCh38, 1-based): chr2:185,804,207, C>T. VCF-style: chr2-185804207-C-T. GRCh37 (hg19) VCF-style: chr2-186668934-C-T.
Identifiers: ClinVar variation 3039283 (VCV003039283.2), dbSNP rs574205478, ClinGen allele CA2017089.